The following is an entry in ClinVar:

NM_000051.4(ATM):c.2306A>G (p.Glu769Gly)

Gene: ATM (ATM serine/threonine kinase; plus strand). Cytogenetic location: 11q22.3.
Variant type: single nucleotide variant.
Coding change: c.2306A>G on transcript NM_000051.4 (MANE Select); coding-DNA position 2306, A replaced by G.
Protein change: p.Glu769Gly; replaces glutamic acid 769 with glycine.
Molecular consequence: missense variant.
Genome position (GRCh38, 1-based): chr11:108,257,536, A>G. VCF-style: chr11-108257536-A-G. GRCh37 (hg19) VCF-style: chr11-108128263-A-G.
Other names: c.2306A>G, p.Glu769Gly (NM_001351834.2); short protein forms E769G.
Identifiers: ClinVar variation 485205 (VCV000485205.12), dbSNP rs1377126475, ClinGen allele CA382539840.

ClinVar aggregate classification (germline): Uncertain significance. Review status: criteria provided, multiple submitters, no conflicts (2 of 4 stars). 2 submissions from 2 submitters: Uncertain significance (2). Last evaluated 2021-08-30.

Conditions:
Hereditary cancer-predisposing syndrome. Also called: Hereditary neoplastic syndrome; Neoplastic Syndromes, Hereditary; Tumor predisposition; Hereditary Cancer Syndrome. Identifiers: Orphanet 140162, MedGen C0027672, MeSH D009386, MONDO:0015356.
Ataxia-telangiectasia syndrome (AT). Also called: LOUIS-BAR SYNDROME; Cerebello-oculocutaneous telangiectasia; Immunodeficiency with ataxia telangiectasia; AT, COMPLEMENTATION GROUP C; Ataxia-telangiectasia, complementation group D; ATAXIA-TELANGIECTASIA, COMPLEMENTATION GROUP A. Identifiers: Orphanet 100, MedGen C0004135, MONDO:0008840, OMIM 208900.

Allele frequency attached by ClinVar (database versions not stated): gnomAD exomes below 0.00001.

Submissions (2):

Labcorp Genetics (formerly Invitae), Labcorp
Classification: Uncertain significance for Ataxia-telangiectasia syndrome. Last evaluated: 2021-08-30. Review status: criteria provided, single submitter. Criteria: Invitae Variant Classification Sherloc (09022015). Collection method: clinical testing. Allele origin: germline.
Comment: This sequence change replaces glutamic acid with glycine at codon 769 of the ATM protein (p.Glu769Gly). The glutamic acid residue is highly conserved and there is a moderate physicochemical difference between glutamic acid and glycine. This variant is not present in population databases (ExAC no frequency). This variant has not been reported in the literature in individuals affected with ATM-related conditions. ClinVar contains an entry for this variant (Variation ID: 485205). Algorithms developed to predict the effect of missense changes on protein structure and function are either unavailable or do not agree on the potential impact of this missense change (SIFT: "Deleterious"; PolyPhen-2: "Probably Damaging"; Align-GVGD: "Class C0"). In summary, the available evidence is currently insufficient to determine the role of this variant in disease. Therefore, it has been classified as a Variant of Uncertain Significance.

Ambry Genetics
Classification: Uncertain significance for Hereditary cancer-predisposing syndrome. Last evaluated: 2016-09-08. Review status: criteria provided, single submitter. Criteria: Ambry Variant Classification Scheme 2023. Collection method: clinical testing. Allele origin: germline.
Comment: The p.E769G variant (also known as c.2306A>G), located in coding exon 14 of the ATM gene, results from an A to G substitution at nucleotide position 2306. The glutamic acid at codon 769 is replaced by glycine, an amino acid with similar properties. This variant was not reported in population based cohorts in the following databases: Database of Single Nucleotide Polymorphisms (dbSNP), NHLBI Exome Sequencing Project (ESP), and 1000 Genomes Project. In the ESP, this variant was not observed in 6499 samples (12998 alleles) with coverage at this position. To date, this alteration has been detected with an allele frequency of approximately 0.001% (greater than 180000 alleles tested) in our clinical cohort. This amino acid position is highly conserved in available vertebrate species. In addition, this alteration is predicted to be deleterious by in silico analysis. Since supporting evidence is limited at this time, the clinical significance of this alteration remains unclear.